The following is an entry in ClinVar:

ClinVar aggregate classification (germline): Pathogenic (1 of 4 stars; one submission).

Conditions:
Spastic paraplegia. Identifiers: MedGen C0037772, HP:0001258.

Submission:

Labcorp Genetics (formerly Invitae), Labcorp
Classification: Pathogenic for Spastic paraplegia. Last evaluated: 2023-09-10. Review status: criteria provided, single submitter. Criteria: Invitae Variant Classification Sherloc (09022015). Collection method: clinical testing. Allele origin: germline.
Comment: For these reasons, this variant has been classified as Pathogenic. This variant has not been reported in the literature in individuals affected with ZFYVE26-related conditions. This variant is not present in population databases (gnomAD no frequency). This sequence change creates a premature translational stop signal (p.Arg1806Glyfs*36) in the ZFYVE26 gene. It is expected to result in an absent or disrupted protein product. Loss-of-function variants in ZFYVE26 are known to be pathogenic (PMID: 18394578, 19805727).

Literature cited by the submitters: PubMed 18394578; PubMed 19805727.

NM_015346.4(ZFYVE26):c.5415del (p.Arg1806fs)

Gene: ZFYVE26 (zinc finger FYVE-type containing 26; minus strand). Cytogenetic location: 14q24.1.
Variant type: Deletion.
Coding change: c.5415del on transcript NM_015346.4 (MANE Select); coding-DNA position 5415, one base deleted (C; older notation c.5415delC).
Protein change: p.Arg1806fs; shifts the reading frame from arginine 1806.
Molecular consequence: frameshift variant.
Genome position (GRCh38, 1-based): chr14:67,772,116, G deleted on the plus strand (C on the coding strand, the reverse complement: ZFYVE26 is on the minus strand); the first of 2 consecutive G bases (chr14:67,772,116-67,772,117); deleting either gives the same sequence. VCF-style (leftmost placement, unchanged base first): chr14-67772115-TG-T. GRCh37 (hg19) VCF-style: chr14-68238832-TG-T.
Other names: short protein forms R1806fs.
Identifiers: ClinVar variation 2780284 (VCV002780284.3), dbSNP rs2502772698, ClinGen allele CA2695219484.
Genomic context (GRCh38, chr14:67,772,115, plus strand): 5'-AGTGCTCCCTGCAGCAGACCATGCAGATACTCTCAGTCTCATCCGGTACCCACTGGTGCC[TG>T]GCAGGGGGTGTCGCTGGGGGCACAAATTCCTGTGAGGGCTGGGTTGGTGGGAAACTCCTT-3'